The following is an entry in ClinVar:

NM_024529.5(CDC73):c.429A>C (p.Glu143Asp)

Gene: CDC73 (cell division cycle 73; plus strand). Cytogenetic location: 1q31.2.
Variant type: single nucleotide variant.
Coding change: c.429A>C on transcript NM_024529.5 (MANE Select); coding-DNA position 429, A replaced by C.
Protein change: p.Glu143Asp; replaces glutamic acid 143 with aspartic acid.
Molecular consequence: missense variant.
Genome position (GRCh38, 1-based): chr1:193,138,090, A>C. VCF-style: chr1-193138090-A-C. GRCh37 (hg19) VCF-style: chr1-193107220-A-C.
Other names: short protein forms E143D.
Identifiers: ClinVar variation 4223485 (VCV004223485.1).
Genomic context (GRCh38, chr1:193,138,090, plus strand): 5'-TCTTCCTAAAAGTTCAATAAAAATTTTAAATGCATTAACCAGTGGTTATTTCCAGGATGA[A>C]GAGTGTGTGCGCCTTGATAAAGAGAGATTGGCTGCCCGTTTGGAGGGTCACAAAGAAGGG-3'
Protein context (NP_078805.3, residues 133-153): AEAKKPRIED[Glu143Asp]ECVRLDKERL

ClinVar aggregate classification (germline): Uncertain significance (1 of 4 stars; one submission).

Conditions:
Hereditary cancer-predisposing syndrome. Also called: Hereditary Cancer Syndrome; Hereditary neoplastic syndrome; Neoplastic Syndromes, Hereditary; Tumor predisposition. Identifiers: Orphanet 140162, MedGen C0027672, MeSH D009386, MONDO:0015356.

Submission:

Ambry Genetics
Classification: Uncertain significance for Hereditary cancer-predisposing syndrome. Last evaluated: 2025-08-19. Review status: criteria provided, single submitter. Criteria: Ambry Variant Classification Scheme 2023. Collection method: clinical testing. Allele origin: germline.
Comment: The p.E143D variant (also known as c.429A>C), located in coding exon 6 of the CDC73 gene, results from an A to C substitution at nucleotide position 429. The glutamic acid at codon 143 is replaced by aspartic acid, an amino acid with highly similar properties. This amino acid position is conserved. In addition, the in silico prediction for this alteration is inconclusive. Based on the available evidence, the clinical significance of this variant remains unclear.